The following is an entry in ClinVar:

NM_000094.4(COL7A1):c.128T>C (p.Leu43Pro)

Gene: COL7A1 (collagen type VII alpha 1 chain; minus strand). Cytogenetic location: 3p21.31.
Variant type: single nucleotide variant.
Coding change: c.128T>C on transcript NM_000094.4 (MANE Select); coding-DNA position 128, T replaced by C.
Protein change: p.Leu43Pro; replaces leucine 43 with proline.
Molecular consequence: missense variant.
Genome position (GRCh38, 1-based): chr3:48,594,506, A>G on the plus strand (T>C on the coding strand, the complement: COL7A1 is on the minus strand). VCF-style: chr3-48594506-A-G. GRCh37 (hg19) VCF-style: chr3-48631939-A-G.
Other names: c.128T>C (NM_000094.3); short protein forms L43P.
Identifiers: ClinVar variation 1416243 (VCV001416243.5), dbSNP rs149317921, ClinGen allele CA2381638.

ClinVar aggregate classification (germline): Uncertain significance. Review status: criteria provided, multiple submitters, no conflicts (2 of 4 stars). 3 submissions from 3 submitters: Uncertain significance (3). Last evaluated 2026-06-24.

Conditions:
Inborn genetic diseases. Identifiers: MedGen C0950123, MeSH D030342.

Allele frequency attached by ClinVar (database versions not stated): gnomAD 0.00006; gnomAD exomes below 0.00001 and 0.00001; ExAC 0.00001; TOPMed 0.00006; ESP Exome Variant Server 0.00008.
gnomAD v4.1: 18 of 1,611,890 alleles (0.0011%); highest among the groups gnomAD compares: African/African-American, 0.011%; no homozygotes.

Submissions (3):

Ambry Genetics
Classification: Uncertain significance for Inborn genetic diseases. Last evaluated: 2026-06-24. Review status: criteria provided, single submitter. Criteria: Ambry Variant Classification Scheme 2023. Collection method: clinical testing. Allele origin: germline.

Women's Health and Genetics/Laboratory Corporation of America, LabCorp
Classification: Uncertain significance. Last evaluated: 2025-02-19. Review status: criteria provided, single submitter. Criteria: LabCorp Variant Classification Summary - May 2015. Collection method: clinical testing. Allele origin: germline.

Labcorp Genetics (formerly Invitae), Labcorp
Classification: Uncertain significance. Last evaluated: 2022-10-05. Review status: criteria provided, single submitter. Criteria: Invitae Variant Classification Sherloc (09022015). Collection method: clinical testing. Allele origin: germline.
Comment: This sequence change replaces leucine, which is neutral and non-polar, with proline, which is neutral and non-polar, at codon 43 of the COL7A1 protein (p.Leu43Pro). This variant is present in population databases (rs149317921, gnomAD 0.02%). This variant has not been reported in the literature in individuals affected with COL7A1-related conditions. ClinVar contains an entry for this variant (Variation ID: 1416243). Advanced modeling of protein sequence and biophysical properties (such as structural, functional, and spatial information, amino acid conservation, physicochemical variation, residue mobility, and thermodynamic stability) has been performed at Invitae for this missense variant, however the output from this modeling did not meet the statistical confidence thresholds required to predict the impact of this variant on COL7A1 protein function. In summary, the available evidence is currently insufficient to determine the role of this variant in disease. Therefore, it has been classified as a Variant of Uncertain Significance.